The following is an entry in ClinVar:

ClinVar aggregate classification (germline): Uncertain significance (1 of 4 stars; one submission).

Conditions:
EAST syndrome (SESAMES). Also called: SEIZURES, SENSORINEURAL DEAFNESS, ATAXIA, IMPAIRED INTELLECTUAL DEVELOPMENT, AND ELECTROLYTE IMBALANCE. Identifiers: Orphanet 199343, MedGen C2748572, MONDO:0013005, OMIM 612780.

Submission:

Labcorp Genetics (formerly Invitae), Labcorp
Classification: Uncertain significance for EAST syndrome. Last evaluated: 2025-10-02. Review status: criteria provided, single submitter. Criteria: Invitae Variant Classification Sherloc (09022015). Collection method: clinical testing. Allele origin: germline.
Comment: This sequence change replaces glutamic acid, which is acidic and polar, with glycine, which is neutral and non-polar, at codon 310 of the KCNJ10 protein (p.Glu310Gly). This variant is not present in population databases (gnomAD no frequency). This variant has not been reported in the literature in individuals affected with KCNJ10-related conditions. Invitae Evidence Modeling of protein sequence and biophysical properties (such as structural, functional, and spatial information, amino acid conservation, physicochemical variation, residue mobility, and thermodynamic stability) has been performed for this missense variant. However, the output from this modeling did not meet the statistical confidence thresholds required to predict the impact of this variant on KCNJ10 protein function. In summary, the available evidence is currently insufficient to determine the role of this variant in disease. Therefore, it has been classified as a Variant of Uncertain Significance.

NM_002241.5(KCNJ10):c.929A>G (p.Glu310Gly)

Gene: KCNJ10 (potassium inwardly rectifying channel subfamily J member 10; minus strand). Cytogenetic location: 1q23.2.
Variant type: single nucleotide variant.
Coding change: c.929A>G on transcript NM_002241.5 (MANE Select); coding-DNA position 929, A replaced by G.
Protein change: p.Glu310Gly; replaces glutamic acid 310 with glycine.
Molecular consequence: missense variant.
Genome position (GRCh38, 1-based): chr1:160,041,604, T>C on the plus strand (A>G on the coding strand, the complement: KCNJ10 is on the minus strand). VCF-style: chr1-160041604-T-C. GRCh37 (hg19) VCF-style: chr1-160011394-T-C.
Other names: short protein forms E310G.
Identifiers: ClinVar variation 4694638 (VCV004694638.1).
Genomic context (GRCh38, chr1:160,041,604, plus strand): 5'-AAAAGGCTAAAGTCAGCTATGTATTTACCACTGGCTGACAGTGAGATGGCAGGTGTGAAC[T>C]CGTAGCCCCAAAGGATCTCCTCTGGCAGGTAGGAAGTGCGCACCTGACAGGTGGCACTGG-3'
Protein context (NP_002232.2, residues 300-320): YLPEEILWGY[Glu310Gly]FTPAISLSAS